The following is an entry in ClinVar:

NM_001197104.2(KMT2A):c.803C>A (p.Thr268Lys)

Gene: KMT2A (lysine methyltransferase 2A; plus strand). Cytogenetic location: 11q23.3.
Variant type: single nucleotide variant.
Coding change: c.803C>A on transcript NM_001197104.2 (MANE Select); coding-DNA position 803, C replaced by A.
Protein change: p.Thr268Lys; replaces threonine 268 with lysine.
Molecular consequence: missense variant.
Genome position (GRCh38, 1-based): chr11:118,471,962, C>A. VCF-style: chr11-118471962-C-A. GRCh37 (hg19) VCF-style: chr11-118342677-C-A.
Other names: c.902C>A, p.Thr301Lys (NM_001412597.1); c.803C>A, p.Thr268Lys (NM_005933.4); short protein forms T268K, T301K.
Identifiers: ClinVar variation 2099493 (VCV002099493.4), dbSNP rs943862842, ClinGen allele CA382807956.

ClinVar aggregate classification (germline): Uncertain significance (1 of 4 stars; one submission).

Allele frequency attached by ClinVar (database versions not stated): TOPMed below 0.00001.
gnomAD v4.1: 2 of 1,614,052 alleles (0.00012%); highest among the groups gnomAD compares: Admixed American, 0.0033%; no homozygotes.

Submission:

Labcorp Genetics (formerly Invitae), Labcorp
Classification: Uncertain significance. Last evaluated: 2025-03-31. Review status: criteria provided, single submitter. Criteria: Invitae Variant Classification Sherloc (09022015). Collection method: clinical testing. Allele origin: germline.
Comment: This sequence change replaces threonine, which is neutral and polar, with lysine, which is basic and polar, at codon 268 of the KMT2A protein (p.Thr268Lys). This variant is present in population databases (no rsID available, gnomAD 0.003%). This variant has not been reported in the literature in individuals affected with KMT2A-related conditions. ClinVar contains an entry for this variant (Variation ID: 2099493). Invitae Evidence Modeling of protein sequence and biophysical properties (such as structural, functional, and spatial information, amino acid conservation, physicochemical variation, residue mobility, and thermodynamic stability) has been performed for this missense variant. However, the output from this modeling did not meet the statistical confidence thresholds required to predict the impact of this variant on KMT2A protein function. In summary, the available evidence is currently insufficient to determine the role of this variant in disease. Therefore, it has been classified as a Variant of Uncertain Significance.